The following is an entry in ClinVar:

NM_020207.7(ERCC6L2):c.109G>A (p.Ala37Thr)

Gene: ERCC6L2 (ERCC excision repair 6 like 2; plus strand). Cytogenetic location: 9q22.32.
Variant type: single nucleotide variant.
Coding change: c.109G>A on transcript NM_020207.7 (MANE Select); coding-DNA position 109, G replaced by A.
Protein change: p.Ala37Thr; replaces alanine 37 with threonine.
Molecular consequence: missense variant. On other transcripts: non-coding transcript variant (1).
Genome position (GRCh38, 1-based): chr9:95,880,931, G>A. VCF-style: chr9-95880931-G-A. GRCh37 (hg19) VCF-style: chr9-98643213-G-A.
Other names: c.109G>A, p.Ala37Thr (NM_001010895.4, NM_001375291.1, NM_001375292.1 and 2 more transcripts); short protein forms A37T.
Identifiers: ClinVar variation 4019407 (VCV004019407.2).

ClinVar aggregate classification (germline): Uncertain significance. Review status: criteria provided, multiple submitters, no conflicts (2 of 4 stars). 2 submissions from 2 submitters: Uncertain significance (2). Last evaluated 2025-06-12.

Conditions:
Inborn genetic diseases. Identifiers: MedGen C0950123, MeSH D030342.

Submissions (2):

Ambry Genetics
Classification: Uncertain significance for Inborn genetic diseases. Last evaluated: 2025-06-12. Review status: criteria provided, single submitter. Criteria: Ambry Variant Classification Scheme 2023. Collection method: clinical testing. Allele origin: germline.
Comment: The p.A37T variant (also known as c.109G>A), located in coding exon 2 of the ERCC6L2 gene, results from a G to A substitution at nucleotide position 109. The alanine at codon 37 is replaced by threonine, an amino acid with similar properties. This amino acid position is conserved. In addition, the in silico prediction for this alteration is inconclusive. Based on the available evidence, the clinical significance of this variant remains unclear.

Blueprint Genetics
Classification: Uncertain significance. Last evaluated: 2020-03-27. Review status: criteria provided, single submitter. Criteria: ACMG Guidelines, 2015. Collection method: clinical testing. Allele origin: germline.